The following is an entry in ClinVar:

ClinVar aggregate classification (germline): Uncertain significance (1 of 4 stars; one submission).

Conditions:
Developmental delay with or without dysmorphic facies and autism. Identifiers: MedGen C5193106, MONDO:0032760, OMIM 618454.

Submission:

Clinical Genomics Laboratory, Washington University in St. Louis
Classification: Uncertain significance for Developmental delay with or without dysmorphic facies and autism. Last evaluated: 2023-09-25. Review status: criteria provided, single submitter. Criteria: ACMG Guidelines, 2015. Collection method: clinical testing. Allele origin: germline.
Comment: The TRRAP c.2258C>T (p.Pro753Leu) variant, to our knowledge, has not been reported in the medical literature and is absent from the general population (gnomAD v.2.1.1), indicating it is not a common variant. Computational predictors indicate that the variant is damaging, evidence that correlates with impact to TRRAP function. Due to limited information, and based on ACMG/AMP guidelines for variant interpretation (Richards S et al., PMID: 25741868), the clinical significance of this variant is uncertain at this time.

NM_001375524.1(TRRAP):c.2258C>T (p.Pro753Leu)

Gene: TRRAP (transformation/transcription domain associated protein; plus strand). Cytogenetic location: 7q22.1.
Variant type: single nucleotide variant.
Coding change: c.2258C>T on transcript NM_001375524.1 (MANE Select); coding-DNA position 2258, C replaced by T.
Protein change: p.Pro753Leu; replaces proline 753 with leucine.
Molecular consequence: missense variant.
Genome position (GRCh38, 1-based): chr7:98,915,781, C>T. VCF-style: chr7-98915781-C-T. GRCh37 (hg19) VCF-style: chr7-98513404-C-T.
Other names: c.2258C>T, p.Pro753Leu (NM_001244580.2, NM_003496.4); short protein forms P753L.
Identifiers: ClinVar variation 2672150 (VCV002672150.1), dbSNP rs2484729569, ClinGen allele CA368290608.